The following is an entry in ClinVar:

NC_000016.9:g.(?_2098597)_(2130398_?)del

Gene: TSC2 (TSC complex subunit 2; plus strand). Cytogenetic location: 16p13.3.
Variant type: Deletion.
Identifiers: ClinVar variation 467835 (VCV000467835.3).

ClinVar aggregate classification (germline): Pathogenic (1 of 4 stars; one submission).

Conditions:
Tuberous sclerosis 2 (TSC2). Identifiers: Orphanet 805, MedGen C1860707, MONDO:0013199, OMIM 613254.

Submission:

Labcorp Genetics (formerly Invitae), Labcorp
Classification: Pathogenic for Tuberous sclerosis 2. Last evaluated: 2017-06-08. Review status: criteria provided, single submitter. Criteria: Invitae Variant Classification Sherloc (09022015). Collection method: clinical testing. Allele origin: germline.
Comment: For these reasons, this variant has been classified as Pathogenic. This gross deletion is expected to result in an absent protein or completely remove the TSC1 binding domain (T1BD) located at the N-terminus of the TSC2 protein, which is critical for TSC1-TSC2 interaction (PMID: 18466115, 11741833). Loss-of-function variants in TSC2 are known to be pathogenic. This variant has been reported in individuals in the Leiden Open-source Variation Database (as exons 1-30 deleted) in an individual with tuberous sclerosis complex (TSC) (PMID: 21520333). This variant is a gross deletion of the genomic region encompassing exons 2 to 30 of the TSC2 gene, which includes the initiator codon. The 5' end of this event is unknown as it extends beyond the assayed region for this gene and therefore may encompass additional genes. The 3' boundary is likely confined to intron 30 of the TSC2 gene. This is expected to result in an absent or disrupted protein product.

Literature cited by the submitters: PubMed 18466115; PubMed 11741833; PubMed 21520333.